The following is an entry in ClinVar:

ClinVar aggregate classification (germline): Uncertain significance (1 of 4 stars; one submission).

Submission:

GeneDx
Classification: Uncertain significance. Last evaluated: 2022-11-28. Review status: criteria provided, single submitter. Criteria: GeneDx Variant Classification Process June 2021. Collection method: clinical testing. Allele origin: germline. Affected: yes.
Comment: Not observed at significant frequency in large population cohorts (gnomAD); In silico analysis supports that this missense variant has a deleterious effect on protein structure/function; Has not been previously published as pathogenic or benign to our knowledge

NM_020297.4(ABCC9):c.2420A>C (p.Glu807Ala)

Gene: ABCC9 (ATP binding cassette subfamily C member 9; minus strand). Cytogenetic location: 12p12.1.
Variant type: single nucleotide variant.
Coding change: c.2420A>C on transcript NM_020297.4 (MANE Select); coding-DNA position 2420, A replaced by C.
Protein change: p.Glu807Ala; replaces glutamic acid 807 with alanine.
Molecular consequence: missense variant.
Genome position (GRCh38, 1-based): chr12:21,860,975, T>G on the plus strand (A>C on the coding strand, the complement: ABCC9 is on the minus strand). VCF-style: chr12-21860975-T-G. GRCh37 (hg19) VCF-style: chr12-22013909-T-G.
Other names: c.2420A>C, p.Glu807Ala (NM_001377273.1, NM_005691.4); c.1553A>C, p.Glu518Ala (NM_001377274.1); short protein forms E518A, E807A.
Identifiers: ClinVar variation 1802092 (VCV001802092.1), dbSNP rs2541211524, ClinGen allele CA384127913.
Genomic context (GRCh38, chr12:21,860,975, plus strand): 5'-CCAGAAGACTTTTCTAGATTTTTGTTCATTGCTTAATGAAACTATATATAGCTCACCCTC[T>G]CTCCAATTTCAGTTTGATCTCCAAATGGTAATAAGTCAATATCTGGCTGAAGAGAACAGG-3'
Protein context (NP_064693.2, residues 797-817): LPFGDQTEIG[Glu807Ala]RGINLSGGQR